The following is an entry in ClinVar:

ClinVar aggregate classification (germline): Uncertain significance (1 of 4 stars; one submission).

gnomAD v4.1: 47 of 1,613,910 alleles (0.0029%); highest among the groups gnomAD compares: East Asian, 0.036%; no homozygotes.

Submission:

Mayo Clinic Laboratories, Mayo Clinic
Classification: Uncertain significance. Last evaluated: 2024-01-09. Review status: criteria provided, single submitter. Criteria: ACMG Guidelines, 2015. Collection method: clinical testing. Allele origin: germline. Observed: 1 variant allele.
Comment: PM2_moderate

NM_001739.2(CA5A):c.869G>A (p.Arg290Gln)

Gene: CA5A (carbonic anhydrase 5A; minus strand). Cytogenetic location: 16q24.2.
Variant type: single nucleotide variant.
Coding change: c.869G>A on transcript NM_001739.2 (MANE Select); coding-DNA position 869, G replaced by A.
Protein change: p.Arg290Gln; replaces arginine 290 with glutamine.
Molecular consequence: missense variant. On other transcripts: non-coding transcript variant (2), intron variant (1).
Genome position (GRCh38, 1-based): chr16:87,888,178, C>T on the plus strand (G>A on the coding strand, the complement: CA5A is on the minus strand). VCF-style: chr16-87888178-C-T. GRCh37 (hg19) VCF-style: chr16-87921784-C-T.
Other names: p.Arg290Gln; c.774+3621G>A (NM_001367225.1); short protein forms R290Q.
Identifiers: ClinVar variation 3380407 (VCV003380407.1).